The following is an entry in ClinVar:

ClinVar aggregate classification (germline): Pathogenic/Likely pathogenic. Review status: criteria provided, multiple submitters, no conflicts (2 of 4 stars). 2 submissions from 2 submitters: Pathogenic (1); Likely pathogenic (1). Last evaluated 2025-01-17.

Conditions:
Spongy degeneration of central nervous system. Also called: ACY2 DEFICIENCY; AMINOACYLASE 2 DEFICIENCY; ASP DEFICIENCY; ASPA DEFICIENCY; ASPARTOACYLASE DEFICIENCY; CANAVAN-VAN BOGAERT-BERTRAND DISEASE. Identifiers: Orphanet 141, MedGen C0206307, MONDO:0010079, OMIM 271900.

Submissions (2):

Natera, Inc.
Classification: Likely pathogenic for Canavan Disease. Last evaluated: 2025-01-17. Review status: criteria provided, single submitter. Criteria: Natera Variant Classification Schema (03/2026). Collection method: clinical testing. Allele origin: germline.
Comment: The c.885dupT variant in ASPA is a frameshift variant predicted to shift the reading frame beginning at codon 296 and leads to a stop codon 5 codons downstream. This variant is expected to result in nonsense mediated decay, truncation, or a dysfunctional protein product. This variant is rare in the general population with a frequency below the threshold expected for the associated phenotype(s). Given the available evidence, this variant is classified as Likely Pathogenic.

Labcorp Genetics (formerly Invitae), Labcorp
Classification: Pathogenic for Spongy degeneration of central nervous system. Last evaluated: 2023-03-26. Review status: criteria provided, single submitter. Criteria: Invitae Variant Classification Sherloc (09022015). Collection method: clinical testing. Allele origin: germline.
Comment: For these reasons, this variant has been classified as Pathogenic. This variant disrupts a region of the ASPA protein in which other variant(s) (p.Ala305Glu) have been determined to be pathogenic (PMID: 8023850, 10909858, 16217711, 22750302, 22850825). This suggests that this is a clinically significant region of the protein, and that variants that disrupt it are likely to be disease-causing. This premature translational stop signal has been observed in individual(s) with Canavan disease (PMID: 34011350). This variant is not present in population databases (gnomAD no frequency). This sequence change creates a premature translational stop signal (p.Ala296Cysfs*5) in the ASPA gene. While this is not anticipated to result in nonsense mediated decay, it is expected to disrupt the last 18 amino acid(s) of the ASPA protein.

Literature cited by the submitters: PubMed 8023850 (cited by Labcorp Genetics (formerly Invitae), Labcorp); PubMed 10909858 (cited by Labcorp Genetics (formerly Invitae), Labcorp); PubMed 16217711 (cited by Labcorp Genetics (formerly Invitae), Labcorp); PubMed 22750302 (cited by Labcorp Genetics (formerly Invitae), Labcorp); PubMed 22850825 (cited by Labcorp Genetics (formerly Invitae), Labcorp); PubMed 34011350 (cited by Labcorp Genetics (formerly Invitae), Labcorp).

NM_000049.4(ASPA):c.885dup (p.Ala296fs)

Genes: ASPA (aspartoacylase; plus strand), SPATA22 (spermatogenesis associated 22; minus strand). Cytogenetic location: 17p13.2.
Variant type: Duplication.
Coding change: c.885dup on transcript NM_000049.4 (MANE Select); coding-DNA position 885, one base duplicated (T; older notation c.885dupT).
Protein change: p.Ala296fs; shifts the reading frame from alanine 296.
Molecular consequence: frameshift variant. On other transcripts: intron variant (2).
Genome position (GRCh38, 1-based): chr17:3,499,031, T duplicated; the last of 4 consecutive T bases (chr17:3,499,028-3,499,031); duplicating any one gives the same sequence. VCF-style (leftmost placement, unchanged base first): chr17-3499027-C-CT. GRCh37 (hg19) VCF-style: chr17-3402321-C-CT.
Other names: c.885dup, p.Ala296fs (NM_001128085.1); c.-74+14384dup (NM_001321336.2, NM_001321337.2); c.885dupT (NM_000049.2); short protein forms A296fs.
Identifiers: ClinVar variation 2678935 (VCV002678935.5), dbSNP rs2543658211, ClinGen allele CA2576122429.